The following is an entry in ClinVar:

NM_018474.6(KIZ):c.954G>A (p.Pro318=)

Gene: KIZ (kizuna centrosomal protein; plus strand). Cytogenetic location: 20p11.23.
Variant type: single nucleotide variant.
Coding change: c.954G>A on transcript NM_018474.6 (MANE Select); coding-DNA position 954, G replaced by A.
Protein change: p.Pro318=; no amino-acid change (proline 318 retained).
Molecular consequence: synonymous variant.
Genome position (GRCh38, 1-based): chr20:21,162,419, G>A. VCF-style: chr20-21162419-G-A. GRCh37 (hg19) VCF-style: chr20-21143060-G-A.
Other names: c.645G>A, p.Pro215= (NM_001163022.3, NM_001352435.2); c.555G>A, p.Pro185= (NM_001163023.3); c.807G>A, p.Pro269= (NM_001276389.2); c.954G>A, p.Pro318= (NM_001352434.2); c.612G>A, p.Pro204= (NM_001352436.2); c.954G>A (NM_018474.5).
Identifiers: ClinVar variation 1091704 (VCV001091704.12), dbSNP rs190940090, ClinGen allele CA9784745.

ClinVar aggregate classification (germline): Likely benign. Review status: criteria provided, multiple submitters, no conflicts (2 of 4 stars). 3 submissions from 3 submitters: Likely benign (2). 1 of the submissions does not count toward it. Last evaluated 2025-12-30.

Conditions:
KIZ-related disorder. Also called: KIZ-related condition.

Allele frequency attached by ClinVar (database versions not stated): 1000 Genomes Project 30x 0.00047; 1000 Genomes Project 0.00060.
gnomAD v4.1: 204 of 1,613,158 alleles (0.013%); highest among the groups gnomAD compares: Non-Finnish European, 0.0059%; no homozygotes.

Submissions (3):

Labcorp Genetics (formerly Invitae), Labcorp
Classification: Likely benign. Last evaluated: 2025-12-30. Review status: criteria provided, single submitter. Criteria: Invitae Variant Classification Sherloc (09022015). Collection method: clinical testing. Allele origin: germline.

Blueprint Genetics
Classification: Likely benign. Last evaluated: 2024-09-17. Review status: criteria provided, single submitter. Criteria: ACMG Guidelines, 2015. Collection method: clinical testing. Allele origin: germline.

PreventionGenetics, part of Exact Sciences
Classification: Likely benign for KIZ-related condition. Last evaluated: 2020-11-30. Review status: no assertion criteria provided. Collection method: clinical testing. Allele origin: germline. Not counted in ClinVar's aggregate classification.
Comment: This variant is classified as likely benign based on ACMG/AMP sequence variant interpretation guidelines (Richards et al. 2015 PMID: 25741868, with internal and published modifications).